The following is an entry in ClinVar:

NM_017636.4(TRPM4):c.2420C>A (p.Pro807Gln)

Gene: TRPM4 (transient receptor potential cation channel subfamily M member 4; plus strand). Cytogenetic location: 19q13.33.
Variant type: single nucleotide variant.
Coding change: c.2420C>A on transcript NM_017636.4 (MANE Select); coding-DNA position 2420, C replaced by A.
Protein change: p.Pro807Gln; replaces proline 807 with glutamine.
Molecular consequence: missense variant. On other transcripts: intron variant (1).
Genome position (GRCh38, 1-based): chr19:49,196,649, C>A. VCF-style: chr19-49196649-C-A. GRCh37 (hg19) VCF-style: chr19-49699906-C-A.
Other names: c.2075C>A, p.Pro692Gln (NM_001321281.2); c.812C>A, p.Pro271Gln (NM_001321282.2); c.1898C>A, p.Pro633Gln (NM_001321283.2); c.1358C>A, p.Pro453Gln (NM_001321285.2); c.2211-3651C>A (NM_001195227.2); short protein forms P271Q, P453Q, P633Q, P692Q, P807Q.
Identifiers: ClinVar variation 1791010 (VCV001791010.2), dbSNP rs142257045, ClinGen allele CA406809197.

ClinVar aggregate classification (germline): Uncertain significance (1 of 4 stars; one submission).

Conditions:
Cardiovascular phenotype. Identifiers: MedGen CN230736.

gnomAD v4.1: 2 of 1,546,226 alleles (0.00013%); highest among the groups gnomAD compares: African/African-American, 0.0014%; no homozygotes.

Submission:

Ambry Genetics
Classification: Uncertain significance for Cardiovascular phenotype. Last evaluated: 2021-07-12. Review status: criteria provided, single submitter. Criteria: Ambry Variant Classification Scheme 2023. Collection method: clinical testing. Allele origin: germline.
Comment: The p.P807Q variant (also known as c.2420C>A), located in coding exon 17 of the TRPM4 gene, results from a C to A substitution at nucleotide position 2420. The proline at codon 807 is replaced by glutamine, an amino acid with similar properties. This amino acid position is conserved. In addition, this alteration is predicted to be tolerated by in silico analysis. Since supporting evidence is limited at this time, the clinical significance of this alteration remains unclear.